The following is an entry in ClinVar:

ClinVar aggregate classification (germline): Uncertain significance (1 of 4 stars; one submission).

Conditions:
Cardiovascular phenotype. Identifiers: MedGen CN230736.

gnomAD v4.1: 2 of 1,614,142 alleles (0.00012%); highest among the groups gnomAD compares: Non-Finnish European, 0.00017%; no homozygotes.

Submission:

Ambry Genetics
Classification: Uncertain significance for Cardiovascular phenotype. Last evaluated: 2023-04-13. Review status: criteria provided, single submitter. Criteria: Ambry Variant Classification Scheme 2023. Collection method: clinical testing. Allele origin: germline.
Comment: The p.E147D variant (also known as c.441G>T), located in coding exon 3 of the SCN3B gene, results from a G to T substitution at nucleotide position 441. The glutamic acid at codon 147 is replaced by aspartic acid, an amino acid with highly similar properties. This amino acid position is conserved. In addition, the in silico prediction for this alteration is inconclusive. Since supporting evidence is limited at this time, the clinical significance of this alteration remains unclear.

NM_001040151.2(SCN3B):c.441G>T (p.Glu147Asp)

Gene: SCN3B (sodium voltage-gated channel beta subunit 3; minus strand). Cytogenetic location: 11q24.1.
Variant type: single nucleotide variant.
Coding change: c.441G>T on transcript NM_001040151.2 (MANE Select); coding-DNA position 441, G replaced by T.
Protein change: p.Glu147Asp; replaces glutamic acid 147 with aspartic acid.
Molecular consequence: missense variant.
Genome position (GRCh38, 1-based): chr11:123,642,450, C>A on the plus strand (G>T on the coding strand, the complement: SCN3B is on the minus strand). VCF-style: chr11-123642450-C-A. GRCh37 (hg19) VCF-style: chr11-123513158-C-A.
Other names: c.441G>T, p.Glu147Asp (NM_018400.4); short protein forms E147D.
Identifiers: ClinVar variation 2563486 (VCV002563486.2), dbSNP rs1301432167, ClinGen allele CA383071113.
Genomic context (GRCh38, chr11:123,642,450, plus strand): 5'-CCCTTCCCTGTCCACAGAGAGCAGGACGCCCTAGAGACCCTGTGCCTCAGCCTCACCCTC[C>A]TCGGTGACTCTTAGGGGGATCAGCCGCGTCGTCTTCACAAAGGGCCGATGCGCCTCAAAC-3'
Protein context (NP_001035241.1, residues 137-157): TTRLIPLRVT[Glu147Asp]EAGEDFTSVV